The following is an entry in ClinVar:

NM_015378.4(VPS13D):c.12877G>A (p.Val4293Met)

Gene: VPS13D (vacuolar protein sorting 13 homolog D; plus strand). Cytogenetic location: 1p36.21.
Variant type: single nucleotide variant.
Coding change: c.12877G>A on transcript NM_015378.4 (MANE Select); coding-DNA position 12877, G replaced by A.
Protein change: p.Val4293Met; replaces valine 4293 with methionine.
Molecular consequence: missense variant.
Genome position (GRCh38, 1-based): chr1:12,506,935, G>A. VCF-style: chr1-12506935-G-A. GRCh37 (hg19) VCF-style: chr1-12566989-G-A.
Other names: c.12802G>A, p.Val4268Met (NM_018156.4); c.12877G>A (NM_015378.2); short protein forms V4293M, V4268M.
Identifiers: ClinVar variation 2176826 (VCV002176826.4), dbSNP rs201346282, ClinGen allele CA604335.

ClinVar aggregate classification (germline): Uncertain significance. Review status: criteria provided, multiple submitters, no conflicts (2 of 4 stars). 2 submissions from 2 submitters: Uncertain significance (2). Last evaluated 2025-06-22.

Conditions:
Inborn genetic diseases. Identifiers: MedGen C0950123, MeSH D030342.

Allele frequency attached by ClinVar (database versions not stated): gnomAD 0.00011; ExAC 0.00034.
gnomAD v4.1: 218 of 1,614,154 alleles (0.014%); highest among the groups gnomAD compares: Non-Finnish European, 0.016%; no homozygotes.

Submissions (2):

Labcorp Genetics (formerly Invitae), Labcorp
Classification: Uncertain significance. Last evaluated: 2025-06-22. Review status: criteria provided, single submitter. Criteria: Invitae Variant Classification Sherloc (09022015). Collection method: clinical testing. Allele origin: germline.
Comment: This sequence change replaces valine, which is neutral and non-polar, with methionine, which is neutral and non-polar, at codon 4293 of the VPS13D protein (p.Val4293Met). This variant is present in population databases (rs201346282, gnomAD 0.03%). This variant has not been reported in the literature in individuals affected with VPS13D-related conditions. ClinVar contains an entry for this variant (Variation ID: 2176826). Invitae Evidence Modeling of protein sequence and biophysical properties (such as structural, functional, and spatial information, amino acid conservation, physicochemical variation, residue mobility, and thermodynamic stability) indicates that this missense variant is not expected to disrupt VPS13D protein function with a negative predictive value of 80%. In summary, the available evidence is currently insufficient to determine the role of this variant in disease. Therefore, it has been classified as a Variant of Uncertain Significance.

Ambry Genetics
Classification: Uncertain significance for Inborn genetic diseases. Last evaluated: 2023-05-17. Review status: criteria provided, single submitter. Criteria: Ambry Variant Classification Scheme 2023. Collection method: clinical testing. Allele origin: germline.